The following is an entry in ClinVar:

NM_015570.4(AUTS2):c.1588_1611del (p.Gln530_His537del)

Gene: AUTS2 (activator of transcription and developmental regulator AUTS2; plus strand). Cytogenetic location: 7q11.22.
Variant type: Deletion.
Coding change: c.1588_1611del on transcript NM_015570.4 (MANE Select); coding-DNA positions 1588 to 1611, 24 bases deleted (CAGCACCAGCACACCCACCAGCAC).
Protein change: p.Gln530_His537del.
Molecular consequence: inframe deletion.
Genome position (GRCh38, 1-based): chr7:70,766,233-70,766,256, CAGCACCAGCACACCCACCAGCAC deleted; deleting any 24 consecutive bases within chr7:70,766,224-70,766,256 gives the same sequence; the c. name uses the placement nearest the transcript's 3' end. VCF-style (leftmost placement, unchanged base first): chr7-70766223-GCACCAGCACCAGCACCAGCACACC-G. GRCh37 (hg19) VCF-style: chr7-70231209-GCACCAGCACCAGCACCAGCACACC-G.
Other names: c.1588_1611del24 (NM_015570.3); c.1588_1611del, p.Gln530_His537del (NM_001127231.3).
Identifiers: ClinVar variation 1310114 (VCV001310114.5), dbSNP rs2129557492, ClinGen allele CA2573052912.

ClinVar aggregate classification (germline): Pathogenic/Likely pathogenic. Review status: criteria provided, multiple submitters, no conflicts (2 of 4 stars). 2 submissions from 2 submitters: Pathogenic (1); Likely pathogenic (1). Last evaluated 2026-06-09.

Conditions:
AUTS2-related disorder. Also called: AUTS2-related condition.

Submissions (2):

PreventionGenetics, part of Exact Sciences
Classification: Likely pathogenic for AUTS2-related condition. Last evaluated: 2026-06-09. Review status: criteria provided, single submitter. Criteria: ACMG Guidelines, 2015. Collection method: clinical testing. Allele origin: germline.
Comment: The AUTS2 c.1588_1611del24 variant is predicted to result in an in-frame deletion (p.Gln530_His537del). This variant removes eight amino acids within the histidine rich (HX) repeat motif (amino acids 525-542) of AUTS2 and has been reported in an individual with a neurodevelopmental delay phenotype (Supplementary Table 2, Abolhassani et al. 2024. PubMed ID: 38374194). This region is also the transcriptional start site for the AUTS2 short isoform (Biel et al 2022. PubMed ID: 35431798; Beunders et al. 2013. PubMed ID: 23332918; Martinez-Delgado. 2020. Pubmed ID: 33346930). Variants that disrupt this region have been reported in individuals with clinical features similar to Rubinstein-Taybi syndrome, including dysmorphic features, feeding difficulties, intellectual disability and hypotonia (Palumbo et al. 2021. PubMed ID: 33562463; Liu et al. 2021. Pubmed ID: 34637754; Erratum 34798045; Nur Erdogan. 2025. Pubmed ID: 40317680; Martinez-Delgado. 2020. Pubmed ID: 33346930). This variant has not been reported in a large population database (gnomAD), indicating this variant is rare. Taken together, this variant is interpreted as likely pathogenic.

GeneDx
Classification: Pathogenic. Last evaluated: 2025-05-09. Review status: criteria provided, single submitter. Criteria: GeneDx Variant Classification Process June 2021. Collection method: clinical testing. Allele origin: germline. Affected: yes.
Comment: Identified as a secondary finding in a patient with an abnormality of the nervous system in published literature (PMID: 38374194); In-frame deletion of 8 amino acid(s) in a non-repeat region; Not observed at significant frequency in large population cohorts (gnomAD); In silico analysis supports a deleterious effect on protein structure/function; This variant is associated with the following publications: (PMID: 38374194)